The following is an entry in ClinVar:

NM_015425.6(POLR1A):c.4558G>A (p.Glu1520Lys)

Gene: POLR1A (RNA polymerase I subunit A; minus strand). Cytogenetic location: 2p11.2.
Variant type: single nucleotide variant.
Coding change: c.4558G>A on transcript NM_015425.6 (MANE Select); coding-DNA position 4558, G replaced by A.
Protein change: p.Glu1520Lys; replaces glutamic acid 1520 with lysine.
Molecular consequence: missense variant.
Genome position (GRCh38, 1-based): chr2:86,031,350, C>T on the plus strand (G>A on the coding strand, the complement: POLR1A is on the minus strand). VCF-style: chr2-86031350-C-T. GRCh37 (hg19) VCF-style: chr2-86258473-C-T.
Other names: short protein forms E1520K.
Identifiers: ClinVar variation 1505090 (VCV001505090.6), dbSNP rs1021611751, ClinGen allele CA51366405.

ClinVar aggregate classification (germline): Uncertain significance (1 of 4 stars; one submission).

Allele frequency attached by ClinVar (database versions not stated): gnomAD 0.00001; TOPMed 0.00002; gnomAD exomes 0.00003.
gnomAD v4.1: 40 of 1,564,754 alleles (0.0026%); highest among the groups gnomAD compares: Non-Finnish European, 0.0033%; no homozygotes.

Submission:

Labcorp Genetics (formerly Invitae), Labcorp
Classification: Uncertain significance. Last evaluated: 2025-12-02. Review status: criteria provided, single submitter. Criteria: Invitae Variant Classification Sherloc (09022015). Collection method: clinical testing. Allele origin: germline.
Comment: This sequence change replaces glutamic acid, which is acidic and polar, with lysine, which is basic and polar, at codon 1520 of the POLR1A protein (p.Glu1520Lys). This variant is not present in population databases (gnomAD no frequency). This variant has not been reported in the literature in individuals affected with POLR1A-related conditions. ClinVar contains an entry for this variant (Variation ID: 1505090). Invitae Evidence Modeling of protein sequence and biophysical properties (such as structural, functional, and spatial information, amino acid conservation, physicochemical variation, residue mobility, and thermodynamic stability) indicates that this missense variant is not expected to disrupt POLR1A protein function with a negative predictive value of 80%. In summary, the available evidence is currently insufficient to determine the role of this variant in disease. Therefore, it has been classified as a Variant of Uncertain Significance.